The following is an entry in ClinVar:

ClinVar aggregate classification (germline): Conflicting classifications of pathogenicity. Review status: criteria provided, conflicting classifications (1 of 4 stars). 7 submissions from 7 submitters: Uncertain significance (3); Likely benign (3). 1 of the submissions does not count toward it. Last evaluated 2026-01-05.

Conditions:
WDR19-related disorder. Also called: WDR19-related disorders; WDR19-related condition. Identifiers: MedGen CN380161.
Connective tissue disorder. Also called: Connective tissue disease. Identifiers: MedGen C0009782, MONDO:0003900.
Asphyxiating thoracic dystrophy 5 (SRTD5). Also called: SHORT-RIB THORACIC DYSPLASIA 5 WITH OR WITHOUT POLYDACTYLY; SHORT-RIB THORACIC DYSPLASIA 5 WITHOUT POLYDACTYLY. Identifiers: Orphanet 474, MedGen C3280598, MONDO:0013717, OMIM 614376.
Senior-Loken syndrome 8 (SLSN8). Identifiers: Orphanet 3156, MedGen C4225376, MONDO:0014579, OMIM 616307.

Allele frequency attached by ClinVar (database versions not stated): gnomAD exomes 0.00010 and 0.00023; ExAC 0.00034; ESP Exome Variant Server 0.00067; 1000 Genomes Project 30x 0.00094; 1000 Genomes Project 0.00100; gnomAD 0.00108 and 0.00117; TOPMed 0.00111.
gnomAD v4.1: 321 of 1,613,854 alleles (0.02%); highest among the groups gnomAD compares: African/African-American, 0.39%; no homozygotes.

Submissions (7):

Labcorp Genetics (formerly Invitae), Labcorp
Classification: Likely benign for Senior-Loken syndrome 8; Asphyxiating thoracic dystrophy 5. Last evaluated: 2026-01-05. Review status: criteria provided, single submitter. Criteria: Invitae Variant Classification Sherloc (09022015). Collection method: clinical testing. Allele origin: germline.

Blueprint Genetics
Classification: Likely benign. Last evaluated: 2024-10-16. Review status: criteria provided, single submitter. Criteria: ACMG Guidelines, 2015. Collection method: clinical testing. Allele origin: germline.

ARUP Laboratories, Molecular Genetics and Genomics, ARUP Laboratories
Classification: Uncertain significance. Last evaluated: 2024-01-26. Review status: criteria provided, single submitter. Criteria: ARUP Molecular Germline Variant Investigation Process 2024. Collection method: clinical testing. Allele origin: germline.
Comment: The WDR19 c.2702A>G; p.Tyr901Cys variant (rs76326086), to our knowledge, is not reported in the medical literature but is reported in ClinVar (Variation ID: 770086). This variant is observed in the general population with an overall allele frequency of 0.03% (92/280096 alleles, including 1 homozygote) in the Genome Aggregation Database (v2.1.1). Computational analyses predict that this variant is deleterious (REVEL: 0.814). Due to limited information, the clinical significance of this variant is uncertain at this time.

GeneDx
Classification: Uncertain significance. Last evaluated: 2022-07-27. Review status: criteria provided, single submitter. Criteria: GeneDx Variant Classification Process June 2021. Collection method: clinical testing. Allele origin: germline. Affected: yes.
Comment: In silico analysis supports that this missense variant has a deleterious effect on protein structure/function; Has not been previously published as pathogenic or benign to our knowledge

Revvity Omics, Revvity
Classification: Uncertain significance. Last evaluated: 2022-06-07. Review status: criteria provided, single submitter. Criteria: ACMG Guidelines, 2015. Collection method: clinical testing. Allele origin: germline.

Genome Diagnostics Laboratory, The Hospital for Sick Children
Classification: Likely benign for Connective tissue disorder. Last evaluated: 2021-06-21. Review status: criteria provided, single submitter. Criteria: ACMG Guidelines, 2015. Collection method: clinical testing. Allele origin: germline.

PreventionGenetics, part of Exact Sciences
Classification: Likely benign for WDR19-related condition. Last evaluated: 2022-04-06. Review status: no assertion criteria provided. Collection method: clinical testing. Allele origin: germline. Not counted in ClinVar's aggregate classification.
Comment: This variant is classified as likely benign based on ACMG/AMP sequence variant interpretation guidelines (Richards et al. 2015 PMID: 25741868, with internal and published modifications).

NM_025132.4(WDR19):c.2702A>G (p.Tyr901Cys)

Gene: WDR19 (WD repeat domain 19; plus strand). Cytogenetic location: 4p14.
Variant type: single nucleotide variant.
Coding change: c.2702A>G on transcript NM_025132.4 (MANE Select); coding-DNA position 2702, A replaced by G.
Protein change: p.Tyr901Cys; replaces tyrosine 901 with cysteine.
Molecular consequence: missense variant.
Genome position (GRCh38, 1-based): chr4:39,245,425, A>G. VCF-style: chr4-39245425-A-G. GRCh37 (hg19) VCF-style: chr4-39247045-A-G.
Other names: c.2222A>G, p.Tyr741Cys (NM_001317924.2); short protein forms Y741C, Y901C.
Identifiers: ClinVar variation 770086 (VCV000770086.23), dbSNP rs76326086, ClinGen allele CA2892163.